The following is an entry in ClinVar:

ClinVar aggregate classification (germline): Uncertain significance. Review status: criteria provided, multiple submitters, no conflicts (2 of 4 stars). 3 submissions from 3 submitters: Uncertain significance (3). Last evaluated 2024-07-13.

Conditions:
Hereditary cancer-predisposing syndrome. Also called: Tumor predisposition; Hereditary neoplastic syndrome; Neoplastic Syndromes, Hereditary; Hereditary Cancer Syndrome. Identifiers: Orphanet 140162, MedGen C0027672, MeSH D009386, MONDO:0015356.
Familial cancer of breast. Also called: hereditary breast carcinoma; BREAST CANCER, FAMILIAL; Hereditary breast cancer. Identifiers: Orphanet 227535, MedGen C0346153, MONDO:0016419, OMIM 114480. Disease mechanism: loss of function.

Allele frequency attached by ClinVar (database versions not stated): TOPMed 0.00001.

Submissions (3):

Labcorp Genetics (formerly Invitae), Labcorp
Classification: Uncertain significance for Familial cancer of breast. Last evaluated: 2024-07-13. Review status: criteria provided, single submitter. Criteria: Invitae Variant Classification Sherloc (09022015). Collection method: clinical testing. Allele origin: germline.
Comment: This sequence change replaces proline, which is neutral and non-polar, with serine, which is neutral and polar, at codon 396 of the BARD1 protein (p.Pro396Ser). This variant is not present in population databases (gnomAD no frequency). This variant has not been reported in the literature in individuals affected with BARD1-related conditions. ClinVar contains an entry for this variant (Variation ID: 857656). An algorithm developed to predict the effect of missense changes on protein structure and function outputs the following: PolyPhen-2: "Possibly Damaging". The serine amino acid residue is found in multiple mammalian species, which suggests that this missense change does not adversely affect protein function. In summary, the available evidence is currently insufficient to determine the role of this variant in disease. Therefore, it has been classified as a Variant of Uncertain Significance.

Ambry Genetics
Classification: Uncertain significance for Hereditary cancer-predisposing syndrome. Last evaluated: 2022-02-28. Review status: criteria provided, single submitter. Criteria: Ambry Variant Classification Scheme 2023. Collection method: clinical testing. Allele origin: germline.
Comment: The p.P396S variant (also known as c.1186C>T), located in coding exon 4 of the BARD1 gene, results from a C to T substitution at nucleotide position 1186. The proline at codon 396 is replaced by serine, an amino acid with similar properties. In one study, this alteration was observed in 1/3236 cases with invasive epithelial ovarian cancer and 0/3431 controls (Ramus SJ et al. J Natl Cancer Inst, 2015 Nov;107). This amino acid position is well conserved in available vertebrate species. In addition, this alteration is predicted to be tolerated by in silico analysis. Since supporting evidence is limited at this time, the clinical significance of this alteration remains unclear.

Color Diagnostics, LLC DBA Color Health
Classification: Uncertain significance for Hereditary cancer-predisposing syndrome. Last evaluated: 2020-02-21. Review status: criteria provided, single submitter. Criteria: ACMG Guidelines, 2015. Collection method: clinical testing. Allele origin: germline.
Comment: This missense variant replaces proline with serine at codon 396 of the BARD1 protein. Computational prediction suggests that this variant may not impact protein structure and function (internally defined REVEL score threshold <= 0.5, PMID: 27666373). Splice site prediction tools suggest that this variant may not impact RNA splicing. To our knowledge, functional studies have not been performed for this variant. This variant has not been reported in individuals affected with hereditary cancer in the literature. This variant has not been identified in the general population by the Genome Aggregation Database (gnomAD). The available evidence is insufficient to determine the role of this variant in disease conclusively. Therefore, this variant is classified as a Variant of Uncertain Significance.

Literature cited by the submitters: PubMed 26315354 (cited by Ambry Genetics).

NM_000465.4(BARD1):c.1186C>T (p.Pro396Ser)

Gene: BARD1 (BRCA1 associated RING domain 1; minus strand). Cytogenetic location: 2q35.
Variant type: single nucleotide variant.
Coding change: c.1186C>T on transcript NM_000465.4 (MANE Select); coding-DNA position 1186, C replaced by T.
Protein change: p.Pro396Ser; replaces proline 396 with serine.
Molecular consequence: missense variant. On other transcripts: non-coding transcript variant (2), intron variant (3).
Genome position (GRCh38, 1-based): chr2:214,780,688, G>A on the plus strand (C>T on the coding strand, the complement: BARD1 is on the minus strand). VCF-style: chr2-214780688-G-A. GRCh37 (hg19) VCF-style: chr2-215645412-G-A.
Other names: c.1129C>T, p.Pro377Ser (NM_001282543.2); c.159-28133C>T (NM_001282548.2); c.215+16373C>T (NM_001282545.2); c.364+11609C>T (NM_001282549.2); c.1186C>T (NM_000465.2); short protein forms P377S, P396S.
Identifiers: ClinVar variation 857656 (VCV000857656.16), dbSNP rs1426044782, ClinGen allele CA350453820.